The following is an entry in ClinVar:

ClinVar aggregate classification (germline): Pathogenic (1 of 4 stars; one submission).

Conditions:
Inborn genetic diseases. Identifiers: MedGen C0950123, MeSH D030342.

Submissions (2):

Ambry Genetics
Classification: Pathogenic for Inborn genetic diseases. Last evaluated: 2026-01-15. Review status: criteria provided, single submitter. Criteria: Ambry Variant Classification Scheme 2023. Collection method: clinical testing. Allele origin: germline.
Comment: The p.S381* pathogenic mutation (also known as c.1142C>A), located in coding exon 7 of the WT1 gene, results from a C to A substitution at nucleotide position 1142. This changes the amino acid from a serine to a stop codon within coding exon 7. This variant is considered to be rare based on population cohorts in the Genome Aggregation Database (gnomAD). This alteration is expected to result in loss of function by premature protein truncation or nonsense-mediated mRNA decay. As such, this alteration is interpreted as a disease-causing mutation.

Dr. Peter K. Rogan Lab, Western University
No classification provided (evidence only). Condition: Acute myeloid leukemia. Review status: no classification provided. Collection method: in vitro. Allele origin: not applicable. Functional consequence: retained intron. Not counted in ClinVar's aggregate classification.

NM_024426.6(WT1):c.1157C>A (p.Ser386Ter)

Gene: WT1 (WT1 transcription factor; minus strand). Cytogenetic location: 11p13.
Variant type: single nucleotide variant.
Coding change: c.1157C>A on transcript NM_024426.6 (MANE Select); coding-DNA position 1157, C replaced by A.
Protein change: p.Ser386Ter; replaces serine 386 with a stop codon.
Molecular consequence: nonsense. On other transcripts: 5 prime UTR variant (1), non-coding transcript variant (2).
Genome position (GRCh38, 1-based): chr11:32,396,364, G>T on the plus strand (C>A on the coding strand, the complement: WT1 is on the minus strand). VCF-style: chr11-32396364-G-T. GRCh37 (hg19) VCF-style: chr11-32417910-G-T.
Other names: NC_000011.9:g.32417910G>T; c.1142C>A (NM_024426.4); c.1106C>A, p.Ser369Ter (NM_000378.6, NM_001407045.1, NM_001407048.1 and 1 more transcripts); c.506C>A, p.Ser169Ter (NM_001198551.2); c.455C>A, p.Ser152Ter (NM_001198552.2); c.-32C>A (NM_001367854.1); c.1151C>A, p.Ser384Ter (NM_001407044.1); c.1157C>A, p.Ser386Ter (NM_001407046.1, NM_024424.5); and 5 more; short protein forms S169*, S381*, S152*, S296*, S386*, S132*, S313*, S328*.
Identifiers: ClinVar variation 4370831 (VCV004370831.2).